The following is an entry in ClinVar:

NM_001128840.3(CACNA1D):c.1741G>A (p.Ala581Thr)

Gene: CACNA1D (calcium voltage-gated channel subunit alpha1 D; plus strand). Cytogenetic location: 3p21.1.
Variant type: single nucleotide variant.
Coding change: c.1741G>A on transcript NM_001128840.3 (MANE Select); coding-DNA position 1741, G replaced by A.
Protein change: p.Ala581Thr; replaces alanine 581 with threonine.
Molecular consequence: missense variant.
Genome position (GRCh38, 1-based): chr3:53,723,508, G>A. VCF-style: chr3-53723508-G-A. GRCh37 (hg19) VCF-style: chr3-53757535-G-A.
Other names: c.1801G>A, p.Ala601Thr (NM_000720.4); c.1741G>A, p.Ala581Thr (NM_001128839.3); short protein forms A581T, A601T.
Identifiers: ClinVar variation 4278859 (VCV004278859.1).
Genomic context (GRCh38, chr3:53,723,508, plus strand): 5'-GTCCTCTTGGCTCTGTTCACCTGCGAGATGCTGGTAAAAATGTACAGCTTGGGCCTCCAA[G>A]CATATTTCGTCTCTCTTTTCAACCGGTTTGATTGCTTCGTGGTGTGTGGTGGAATCACTG-3'
Protein context (NP_001122312.1, residues 571-591): LVKMYSLGLQ[Ala581Thr]YFVSLFNRFD

ClinVar aggregate classification (germline): Uncertain significance (1 of 4 stars; one submission).

Submission:

GeneDx
Classification: Uncertain significance. Last evaluated: 2025-04-01. Review status: criteria provided, single submitter. Criteria: GeneDx Variant Classification Process June 2021. Collection method: clinical testing. Allele origin: germline. Affected: yes.
Comment: Not observed at significant frequency in large population cohorts (gnomAD); In silico analysis supports that this missense variant has a deleterious effect on protein structure/function; Has not been previously published as pathogenic or benign to our knowledge